The following is an entry in ClinVar:

NM_024577.4(SH3TC2):c.*3246A>C

Gene: SH3TC2 (SH3 domain and tetratricopeptide repeats 2; minus strand). Cytogenetic location: 5q32.
Variant type: single nucleotide variant.
Coding change: c.*3246A>C on transcript NM_024577.4 (MANE Select); 3246 bases downstream of the stop codon, A replaced by C.
Molecular consequence: 3 prime UTR variant.
Genome position (GRCh38, 1-based): chr5:149,001,465, T>G on the plus strand (A>C on the coding strand, the complement: SH3TC2 is on the minus strand). VCF-style: chr5-149001465-T-G. GRCh37 (hg19) VCF-style: chr5-148381028-T-G.
Identifiers: ClinVar variation 907066 (VCV000907066.4), dbSNP rs73795732, ClinGen allele CA128992512.

ClinVar aggregate classification (germline): Benign. Review status: criteria provided, single submitter (1 of 4 stars). 2 submissions from 1 submitter: Benign (2). Last evaluated 2018-01-12.

Conditions:
Susceptibility to mononeuropathy of the median nerve, mild. Also called: CARPAL TUNNEL SYNDROME, SUSCEPTIBILITY TO. Identifiers: MedGen C3150596, MONDO:0013237, OMIM 613353.
Charcot-Marie-Tooth disease type 4C (CMT4C). Also called: CMT 4C; SH3TC2-Related Hereditary Motor and Sensory Neuropathy; Charcot-Marie-Tooth Neuropathy Type 4C (CMT4C); CHARCOT-MARIE-TOOTH DISEASE, DEMYELINATING, TYPE 4C; CHARCOT-MARIE-TOOTH DISEASE, DEMYELINATING, AUTOSOMAL RECESSIVE, TYPE 4C. Identifiers: Orphanet 99949, MedGen C1866636, MONDO:0011113, OMIM 601596.

Allele frequency attached by ClinVar (database versions not stated): TOPMed 0.00487; 1000 Genomes Project 0.00719; 1000 Genomes Project 30x 0.00750.

Submissions (2):

Illumina Laboratory Services, Illumina
Classification: Benign for Susceptibility to mononeuropathy of the median nerve, mild. Last evaluated: 2018-01-12. Review status: criteria provided, single submitter. Criteria: ICSL Variant Classification Criteria 13 December 2019. Collection method: clinical testing. Allele origin: germline.
Comment: This variant was observed in the ICSL laboratory as part of a predisposition screen in an ostensibly healthy population. It had not been previously curated by ICSL or reported in the Human Gene Mutation Database (HGMD: prior to June 1st, 2018), and was therefore a candidate for classification through an automated scoring system. Utilizing variant allele frequency, disease prevalence and penetrance estimates, and inheritance mode, an automated score was calculated to assess if this variant is too frequent to cause the disease. Based on the score and internal cut-off values, a variant classified as benign is not then subjected to further curation. The score for this variant resulted in a classification of benign for this disease.

Illumina Laboratory Services, Illumina
Classification: Benign for Charcot-Marie-Tooth disease type 4C. Last evaluated: 2018-01-12. Review status: criteria provided, single submitter. Criteria: ICSL Variant Classification Criteria 13 December 2019. Collection method: clinical testing. Allele origin: germline.
Comment: the same text as in the submission from Illumina Laboratory Services, Illumina above.